The following is an entry in ClinVar:

NM_003201.3(TFAM):c.633T>C (p.Tyr211=)

Gene: TFAM (transcription factor A, mitochondrial; plus strand). Cytogenetic location: 10q21.1.
Variant type: single nucleotide variant.
Coding change: c.633T>C on transcript NM_003201.3 (MANE Select); coding-DNA position 633, T replaced by C.
Protein change: p.Tyr211=; no amino-acid change (tyrosine 211 retained).
Molecular consequence: synonymous variant. On other transcripts: non-coding transcript variant (1).
Genome position (GRCh38, 1-based): chr10:58,394,966, T>C. VCF-style: chr10-58394966-T-C. GRCh37 (hg19) VCF-style: chr10-60154726-T-C.
Other names: c.537T>C, p.Tyr179= (NM_001270782.2).
Identifiers: ClinVar variation 3046845 (VCV003046845.2), dbSNP rs780330198, ClinGen allele CA5508058.
Genomic context (GRCh38, chr10:58,394,966, plus strand): 5'-TAACAGTTATGCTTTTTCTCAGTTATATATTCAGCATGCTAAAGAGGACGAAACTCGTTA[T>C]CATAATGAAATGAAGTCTTGGGAAGAACAAATGATTGAAGTTGGACGAAAGGATCTTCTA-3'
Protein context (NP_003192.1, residues 201-221): IQHAKEDETR[Tyr211=]HNEMKSWEEQ

ClinVar aggregate classification (germline): Likely benign (0 of 4 stars; one submission).

Conditions:
TFAM-related disorder. Also called: TFAM-related condition.

Allele frequency attached by ClinVar (database versions not stated): TOPMed below 0.00001; gnomAD exomes 0.00001; ExAC 0.00003.
gnomAD v4.1: 10 of 1,613,800 alleles (0.00062%); highest among the groups gnomAD compares: Non-Finnish European, 0.00085%; no homozygotes.

Submission:

PreventionGenetics, part of Exact Sciences
Classification: Likely benign for TFAM-related condition. Last evaluated: 2020-03-23. Review status: no assertion criteria provided. Collection method: clinical testing. Allele origin: germline.
Comment: This variant is classified as likely benign based on ACMG/AMP sequence variant interpretation guidelines (Richards et al. 2015 PMID: 25741868, with internal and published modifications).